The following is an entry in ClinVar:

ClinVar aggregate classification (germline): Pathogenic. Review status: criteria provided, multiple submitters, no conflicts (2 of 4 stars). 16 submissions from 16 submitters: Pathogenic (12). 4 of the submissions do not count toward it. Last evaluated 2026-01-27.

Conditions:
KCNQ1-related disorder. Also called: KCNQ1-related disorders; KCNQ1-related condition. Identifiers: MedGen CN239322.
Cardiovascular phenotype. Identifiers: MedGen CN230736.
Familial long QT syndrome (RWS). Also called: Romano-Ward syndrome; VENTRICULAR FIBRILLATION WITH PROLONGED QT INTERVAL; Congenital long QT syndrome. Identifiers: Orphanet 768, MedGen C1141890, MONDO:0019171.
Cardiac arrhythmia. Also called: Cardiac rhythm disease; Arrhythmia. Identifiers: MedGen C0003811, MONDO:0007263, HP:0011675.
Atrial fibrillation, familial, 3 (ATFB3). Identifiers: MedGen C1837014, MONDO:0011857, OMIM 607554.
Long QT syndrome 1 (LQT1). Identifiers: Orphanet 101016, Orphanet 768, MedGen C4551647, MONDO:0100316, OMIM 192500, MONDO:0008646.
Short QT syndrome type 2. Identifiers: Orphanet 51083, MedGen C1865019, MONDO:0012313, OMIM 609621.
Jervell and Lange-Nielsen syndrome 1 (JLNS1). Also called: PROLONGED QT INTERVAL IN EKG AND SUDDEN DEATH; SURDO-CARDIAC SYNDROME; CARDIOAUDITORY SYNDROME OF JERVELL AND LANGE-NIELSEN; DEAFNESS, CONGENITAL, AND FUNCTIONAL HEART DISEASE. Identifiers: Orphanet 768, Orphanet 90647, MedGen C4551509, MONDO:0024540, OMIM 220400.
Long QT syndrome (LQTS). Identifiers: MedGen C0023976, MeSH D008133, MONDO:0002442. Disease mechanism: loss of function. Inheritance: Various modes of inheritance.

Allele frequency attached by ClinVar (database versions not stated): gnomAD exomes below 0.00001 and 0.00001; ExAC 0.00001; gnomAD 0.00003 and 0.00004; ESP Exome Variant Server 0.00008; TOPMed 0.00003.

Submissions 1 to 9 of 16:

Labcorp Genetics (formerly Invitae), Labcorp
Classification: Pathogenic for Long QT syndrome. Last evaluated: 2026-01-27. Review status: criteria provided, single submitter. Criteria: Invitae Variant Classification Sherloc (09022015). Collection method: clinical testing. Allele origin: germline.
Comment: This sequence change replaces valine, which is neutral and non-polar, with methionine, which is neutral and non-polar, at codon 205 of the KCNQ1 protein (p.Val205Met). This variant is present in population databases (rs151344631, gnomAD 0.008%). This missense change has been observed in individuals with long QT syndrome in members of First Nation communities in British Columbia. It has been observed in the heterozygous and homozygous state in numerous affected individuals, though the severity of the symptoms was variable. In addition, this variant has been observed in unrelated individuals with long QT syndrome (PMID: 18580685, 23844633, 26669661, 27831900). It has also been observed to segregate with disease in related individuals. ClinVar contains an entry for this variant (Variation ID: 37255). Invitae Evidence Modeling of protein sequence and biophysical properties (such as structural, functional, and spatial information, amino acid conservation, physicochemical variation, residue mobility, and thermodynamic stability) indicates that this missense variant is expected to disrupt KCNQ1 protein function with a positive predictive value of 95%. Experimental studies have shown that this missense change affects KCNQ1 function (PMID: 18580685, 25444851). For these reasons, this variant has been classified as Pathogenic.

Color Diagnostics, LLC DBA Color Health
Classification: Pathogenic for Cardiac arrhythmia. Last evaluated: 2025-09-02. Review status: criteria provided, single submitter. Criteria: ACMG Guidelines, 2015. Collection method: clinical testing. Allele origin: germline.
Comment: This missense variant replaces valine with methionine at codon 205 in the transmembrane domain S3 of the KCNQ1 protein. Computational prediction suggests that this variant may have deleterious impact on protein structure and function. Functional studies have shown that this variant affects potassium channel function (PMID: 18580685, 20421371, 25444851). This variant has been identified in many individuals affected with long QT syndrome (PMID: 18580685, 23631430, 26669661, 27831900, 28264985, 32009526, 32893267). This variant has been reported to be particularly prevalent in the Gitxsan community in Canada (PMID: 18580685, 28264985). Homozygous individuals presented a severe cardiac phenotype with minimal impact on auditory function (PMID: 23844633). This variant has been identified in 3/281894 chromosomes in the general population by the Genome Aggregation Database (gnomAD). Based on the available evidence, this variant is classified as Pathogenic.

Ambry Genetics
Classification: Pathogenic for Cardiovascular phenotype. Last evaluated: 2025-02-10. Review status: criteria provided, single submitter. Criteria: Ambry Variant Classification Scheme 2023. Collection method: clinical testing. Allele origin: germline.
Comment: The p.V205M pathogenic mutation (also known as c.613G>A), located in coding exon 4 of the KCNQ1 gene, results from a G to A substitution at nucleotide position 613. The valine at codon 205 is replaced by methionine, an amino acid with highly similar properties. This variant was reported in individual(s) with features consistent with long QT syndrome (Arbour L, Genet. Med. 2008 Jul; 10(7):545-50; Kapplinger JD et al. J. Med. Genet., 2017 Mar; Pottinger TD et al. J Am Heart Assoc, 2020 Feb;9:e013808). In assays testing KCNQ1 function, this variant showed a functionally abnormal result (Arbour L et al. Genet. Med., 2008 Jul;10:545-50; Jackson HA, Clin. Genet. 2014 Jul; 86(1):85-90; Eldstrom J, Heart Rhythm 2015 Feb; 12(2):386-94). This amino acid position is highly conserved in available vertebrate species. In addition, this alteration is predicted to be deleterious by in silico analysis. Based on the supporting evidence, this variant is interpreted as a disease-causing mutation.

Greenwood Genetic Center Diagnostic Laboratories, Greenwood Genetic Center
Classification: Pathogenic for KCNQ1-related disorder. Last evaluated: 2024-11-25. Review status: criteria provided, single submitter. Criteria: ACMG Guidelines, 2015. Collection method: clinical testing. Allele origin: germline.
Comment: PS3, PS4, PM2, PP3, PP1_Moderate

CeGaT Center for Human Genetics Tuebingen
Classification: Pathogenic. Last evaluated: 2024-05-01. Review status: criteria provided, single submitter. Criteria: CeGaT Center For Human Genetics Tuebingen Variant Classification Criteria Version 2. Collection method: clinical testing. Allele origin: germline. Affected: yes. Observed: 1 variant allele.
Comment: KCNQ1: PP1:Strong, PM1, PS3:Moderate, PS4:Moderate, PM2:Supporting, PP3

Clinical Genomics Laboratory, Washington University in St. Louis
Classification: Pathogenic for Long QT syndrome 1. Last evaluated: 2023-09-04. Review status: criteria provided, single submitter. Criteria: ACMG Guidelines, 2015. Collection method: clinical testing. Allele origin: germline.
Comment: The KCNQ1 c.613G>A (p.Val205Met) variant has been reported in the medical literature in individuals affected with long QT syndrome (Arbour L et al., PMID: 18580685; Eldstrom J et al., PMID: 25444851; Jackson H et al., PMID: 23844633; Natarajan P et al., PMID: 27831900). This variant is only observed on 3/281,894 total alleles in the general population (gnomAD v.2.1.1), indicating it is not a common variant. Computational predictors indicate that the variant is damaging, evidence that correlates with impact to KCNQ1 protein function. Functional studies suggest that this variant reduces KCNQ1 channel activity, indicating impact to protein function (Arbour L et al., PMID: 18580685; Eldstrom J et al., PMID: 25444851). This variant has been submitted to ClinVar as pathogenic by seven laboratories (variation ID: 37255). Based on available information, and based on ACMG/AMP guidelines for variant interpretation (Richards S et al., PMID: 25741868), this variant is classified as pathogenic.

GeneDx
Classification: Pathogenic. Last evaluated: 2023-08-10. Review status: criteria provided, single submitter. Criteria: GeneDx Variant Classification Process June 2021. Collection method: clinical testing. Allele origin: germline. Affected: yes.
Comment: Not observed at significant frequency in large population cohorts (gnomAD); Published functional studies demonstrate marked alteration of channel activity (Arbour et al., 2008; Eldstrom et al., 2010; Eldstrom et al., 2015); In silico analysis supports that this missense variant has a deleterious effect on protein structure/function; This variant is associated with the following publications: (PMID: 25637381, 22378279, 18580685, 20421371, 25525159, 23844633, 31447099, 31589614, 31737537, 28264985, 34319147, 27831900, 25444851, Sanatani2022[Article], RidaM2023[Preprint], 26669661, 32009526, 36725074)

MGZ Medical Genetics Center
Classification: Pathogenic for Long QT syndrome 1. Last evaluated: 2022-03-02. Review status: criteria provided, single submitter. Criteria: ACMG Guidelines, 2015. Collection method: clinical testing. Allele origin: germline. Affected: yes. Observed: 3 variant alleles.
Comment: ACMG criteria applied: PS3, PM1, PP1_MOD, PM2_SUP, PP3

Blueprint Genetics
Classification: Pathogenic for KCNQ1-related disorders. Last evaluated: 2021-03-10. Review status: criteria provided, single submitter. Criteria: ACMG Guidelines, 2015. Collection method: clinical testing. Allele origin: germline. Affected: yes. Observed: 5 variant alleles.

NM_000218.3(KCNQ1):c.613G>A (p.Val205Met)

Gene: KCNQ1 (potassium voltage-gated channel subfamily Q member 1; plus strand). Cytogenetic location: 11p15.5.
Variant type: single nucleotide variant.
Coding change: c.613G>A on transcript NM_000218.3 (MANE Select); coding-DNA position 613, G replaced by A.
Protein change: p.Val205Met; replaces valine 205 with methionine.
Molecular consequence: missense variant.
Genome position (GRCh38, 1-based): chr11:2,571,333, G>A. VCF-style: chr11-2571333-G-A. GRCh37 (hg19) VCF-style: chr11-2592563-G-A.
Other names: KCNQ1 V205M; p.V205M:GTG>ATG; c.613G>A, p.Val205Met (NM_001406836.1); c.343G>A, p.Val115Met (NM_001406837.1); c.232G>A, p.Val78Met (NM_181798.2); c.613G>A (LRG_287t1); short protein forms V205M, V78M, V115M.
Identifiers: ClinVar variation 37255 (VCV000037255.49), dbSNP rs151344631, ClinGen allele CA007777.
Genomic context (GRCh38, chr11:2,571,333, plus strand): 5'-GGGCCCTGGCTGTGGCGATCACGAAAAGCTCCCCCTCTCCTGCACTCCACAGACCTCATC[G>A]TGGTCGTGGCCTCCATGGTGGTCCTCTGCGTGGGCTCCAAGGGGCAGGTGTTTGCCACGT-3'
Protein context (NP_000209.2, residues 195-215): RKPISIIDLI[Val205Met]VVASMVVLCV